The following is an entry in ClinVar:

ClinVar aggregate classification (germline): Uncertain significance (1 of 4 stars; one submission).

gnomAD v4.1: 2 of 1,610,590 alleles (0.00012%); highest among the groups gnomAD compares: Admixed American, 0.0017%; no homozygotes.

Submission:

Labcorp Genetics (formerly Invitae), Labcorp
Classification: Uncertain significance. Last evaluated: 2024-05-13. Review status: criteria provided, single submitter. Criteria: Invitae Variant Classification Sherloc (09022015). Collection method: clinical testing. Allele origin: germline.
Comment: This sequence change replaces asparagine, which is neutral and polar, with lysine, which is basic and polar, at codon 2347 of the KMT2A protein (p.Asn2347Lys). This variant is present in population databases (rs781960499, gnomAD 0.007%). This variant has not been reported in the literature in individuals affected with KMT2A-related conditions. Advanced modeling of protein sequence and biophysical properties (such as structural, functional, and spatial information, amino acid conservation, physicochemical variation, residue mobility, and thermodynamic stability) performed at Invitae indicates that this missense variant is not expected to disrupt KMT2A protein function with a negative predictive value of 95%. In summary, the available evidence is currently insufficient to determine the role of this variant in disease. Therefore, it has been classified as a Variant of Uncertain Significance.

NM_001197104.2(KMT2A):c.7041T>A (p.Asn2347Lys)

Gene: KMT2A (lysine methyltransferase 2A; plus strand). Cytogenetic location: 11q23.3.
Variant type: single nucleotide variant.
Coding change: c.7041T>A on transcript NM_001197104.2 (MANE Select); coding-DNA position 7041, T replaced by A.
Protein change: p.Asn2347Lys; replaces asparagine 2347 with lysine.
Molecular consequence: missense variant.
Genome position (GRCh38, 1-based): chr11:118,502,933, T>A. VCF-style: chr11-118502933-T-A. GRCh37 (hg19) VCF-style: chr11-118373648-T-A.
Other names: c.7131T>A, p.Asn2377Lys (NM_001412597.1); c.7032T>A, p.Asn2344Lys (NM_005933.4); short protein forms N2344K, N2377K, N2347K.
Identifiers: ClinVar variation 3679338 (VCV003679338.2).
Genomic context (GRCh38, chr11:118,502,933, plus strand): 5'-TTACCCTGGAATTCCTAAACTGGCCCCACAGGTTCATAACACAACATCTAGAGAACTGAA[T>A]GTTAGTAAAATCGGCTCCTTTGCTGAACCCTCTTCAGTGTCGTTTTCTTCTAAAGAGGCC-3'
Protein context (NP_001184033.1, residues 2337-2357): QVHNTTSREL[Asn2347Lys]VSKIGSFAEP